The following is an entry in ClinVar:

NM_005236.3(ERCC4):c.*2513C>A

Gene: ERCC4 (ERCC excision repair 4, endonuclease catalytic subunit; plus strand). Cytogenetic location: 16p13.12.
Variant type: single nucleotide variant.
Coding change: c.*2513C>A on transcript NM_005236.3 (MANE Select); 2513 bases downstream of the stop codon, C replaced by A.
Molecular consequence: 3 prime UTR variant.
Genome position (GRCh38, 1-based): chr16:13,950,860, C>A. VCF-style: chr16-13950860-C-A. GRCh37 (hg19) VCF-style: chr16-14044717-C-A.
Other names: NC_000016.9:g.14044717C>A.
Identifiers: ClinVar variation 317857 (VCV000317857.7), dbSNP rs11075223, ClinGen allele CA10642929.

ClinVar aggregate classification (germline): Benign. Review status: criteria provided, multiple submitters, no conflicts (2 of 4 stars). 2 submissions from 2 submitters: Benign (2). Last evaluated 2018-01-13.

Conditions:
Xeroderma pigmentosum, group F (XPF). Also called: XERODERMA PIGMENTOSUM, COMPLEMENTATION GROUP F; XERODERMA PIGMENTOSUM, TYPE F; Xeroderma pigmentosum, type 6; XERODERMA PIGMENTOSUM VI; XP, GROUP F; ERCC4-Related Xeroderma Pigmentosum. Identifiers: MedGen C0268140, MONDO:0010215, OMIM 278760.

Allele frequency attached by ClinVar (database versions not stated): 1000 Genomes Project 30x 0.25094; 1000 Genomes Project 0.25919; TOPMed 0.28894; gnomAD 0.29307.
gnomAD v4.1: 58,582 of 197,218 alleles (30%); highest among the groups gnomAD compares: Middle Eastern, 40%; 9,089 homozygotes.

Submissions (5):

Illumina Laboratory Services, Illumina
Classification: Benign for Xeroderma pigmentosum, group F. Last evaluated: 2018-01-13. Review status: criteria provided, single submitter. Criteria: ICSL Variant Classification Criteria 13 December 2019. Collection method: clinical testing. Allele origin: germline.
Comment: This variant was observed in the ICSL laboratory as part of a predisposition screen in an ostensibly healthy population. It had not been previously curated by ICSL or reported in the Human Gene Mutation Database (HGMD: prior to June 1st, 2018), and was therefore a candidate for classification through an automated scoring system. Utilizing variant allele frequency, disease prevalence and penetrance estimates, and inheritance mode, an automated score was calculated to assess if this variant is too frequent to cause the disease. Based on the score and internal cut-off values, a variant classified as benign is not then subjected to further curation. The score for this variant resulted in a classification of benign for this disease.

Breakthrough Genomics
Classification: Benign. Review status: criteria provided, single submitter. Criteria: ACMG Guidelines, 2015. Collection method: not provided. Allele origin: germline. Inheritance: Autosomal recessive inheritance. Affected: yes.

Dr. Peter K. Rogan Lab, Western University
No classification provided (evidence only). Condition: Sarcoma. Review status: no classification provided. Collection method: in vitro. Allele origin: not applicable. Functional consequence: retained intron. Not counted in ClinVar's aggregate classification.

Dr. Peter K. Rogan Lab, Western University
No classification provided (evidence only). Condition: Gastric cancer. Review status: no classification provided. Collection method: in vitro. Allele origin: not applicable. Functional consequence: retained intron. Not counted in ClinVar's aggregate classification.

Dr. Peter K. Rogan Lab, Western University
No classification provided (evidence only). Condition: Uterine carcinosarcoma. Review status: no classification provided. Collection method: in vitro. Allele origin: not applicable. Functional consequence: retained intron. Not counted in ClinVar's aggregate classification.